The following is an entry in ClinVar:

ClinVar aggregate classification (germline): Pathogenic (1 of 4 stars; one submission).

Conditions:
Townes-Brocks syndrome 1 (TBS1). Also called: DEAFNESS, SENSORINEURAL, WITH IMPERFORATE ANUS AND THUMB ANOMALIES; REAR SYNDROME; RENAL-EAR-ANAL-RADIAL SYNDROME; SALL1-Related Townes-Brocks Syndrome. Identifiers: Orphanet 857, MedGen C4551481, MONDO:0054581, OMIM 107480.

Submission:

3billion
Classification: Pathogenic for Townes-Brocks syndrome 1. Last evaluated: 2022-09-01. Review status: criteria provided, single submitter. Criteria: ACMG Guidelines, 2015. Collection method: clinical testing. Allele origin: germline. Affected: yes. Observed: 1 heterozygote.
Comment: The variant is not observed in the gnomAD v2.1.1 dataset. Stop-gained (nonsense) is predicted to result in a loss or disruption of normal protein function through nonsense-mediated decay (NMD) or protein truncation. Multiple pathogenic variants are reported downstream of the variant. The variant has been reported to be associated with SALL1-related disorder (PMID: 17221874). Therefore, this variant is classified as Pathogenic according to the recommendation of ACMG/AMP guideline.

Literature cited by the submitters: PubMed 17221874.

NM_002968.3(SALL1):c.1228G>T (p.Gly410Ter)

Gene: SALL1 (spalt like transcription factor 1; minus strand). Cytogenetic location: 16q12.1.
Variant type: single nucleotide variant.
Coding change: c.1228G>T on transcript NM_002968.3 (MANE Select); coding-DNA position 1228, G replaced by T.
Protein change: p.Gly410Ter; replaces glycine 410 with a stop codon.
Molecular consequence: nonsense.
Genome position (GRCh38, 1-based): chr16:51,140,994, C>A on the plus strand (G>T on the coding strand, the complement: SALL1 is on the minus strand). VCF-style: chr16-51140994-C-A. GRCh37 (hg19) VCF-style: chr16-51174905-C-A.
Other names: c.937G>T, p.Gly313Ter (NM_001127892.2); short protein forms G313*, G410*.
Identifiers: ClinVar variation 1705680 (VCV001705680.1), dbSNP rs371508788, ClinGen allele CA395889129.
Genomic context (GRCh38, chr16:51,140,994, plus strand): 5'-GCTTGCTTTTTCTTTGCTGGGCCAAGGCAGACAAGGAGTTTAAATCCTCTGCAGTTGTTC[C>A]GATGTTGGGCAAAGGGCTGGGGAAAACCGAGTTAGCGGAGGCTTGCTGAGGTAGAAGTGG-3'